The following is an entry in ClinVar:

NM_001348800.3(ZBTB20):c.341T>C (p.Met114Thr)

Gene: ZBTB20 (zinc finger and BTB domain containing 20; minus strand). Cytogenetic location: 3q13.31.
Variant type: single nucleotide variant.
Coding change: c.341T>C on transcript NM_001348800.3 (MANE Select); coding-DNA position 341, T replaced by C.
Protein change: p.Met114Thr; replaces methionine 114 with threonine.
Molecular consequence: missense variant.
Genome position (GRCh38, 1-based): chr3:114,351,737, A>G on the plus strand (T>C on the coding strand, the complement: ZBTB20 is on the minus strand). VCF-style: chr3-114351737-A-G. GRCh37 (hg19) VCF-style: chr3-114070584-A-G.
Other names: c.341T>C, p.Met114Thr (NM_001164342.2, NM_001348803.3, NM_001393393.1 and 1 more transcripts); c.122T>C, p.Met41Thr (NM_001164343.2, NM_001164344.4, NM_001164345.4 and 9 more transcripts); short protein forms M114T, M41T.
Identifiers: ClinVar variation 2725534 (VCV002725534.3), dbSNP rs1232906169, ClinGen allele CA354017301.
Genomic context (GRCh38, chr3:114,351,737, plus strand): 5'-AGCAGTTTGTCCTGGAAGAAGGGGCTGCCGGCTGCCAGCACGCAGCGGTGTGCGCGCAGC[A>G]TGCTCCCGTGGATGCGCACCGTTACGTCACAGAAGTGGCCACGGTTGCGCTGCTCGTTGA-3'
Protein context (NP_001335729.1, residues 104-124): CDVTVRIHGS[Met114Thr]LRAHRCVLAA

ClinVar aggregate classification (germline): Uncertain significance (1 of 4 stars; one submission).

Allele frequency attached by ClinVar (database versions not stated): gnomAD exomes below 0.00001; TOPMed below 0.00001.

Submission:

Labcorp Genetics (formerly Invitae), Labcorp
Classification: Uncertain significance. Last evaluated: 2023-06-23. Review status: criteria provided, single submitter. Criteria: Invitae Variant Classification Sherloc (09022015). Collection method: clinical testing. Allele origin: germline.
Comment: This sequence change replaces methionine, which is neutral and non-polar, with threonine, which is neutral and polar, at codon 114 of the ZBTB20 protein (p.Met114Thr). This variant is not present in population databases (gnomAD no frequency). This variant has not been reported in the literature in individuals affected with ZBTB20-related conditions. Advanced modeling of protein sequence and biophysical properties (such as structural, functional, and spatial information, amino acid conservation, physicochemical variation, residue mobility, and thermodynamic stability) has been performed at Invitae for this missense variant, however the output from this modeling did not meet the statistical confidence thresholds required to predict the impact of this variant on ZBTB20 protein function. In summary, the available evidence is currently insufficient to determine the role of this variant in disease. Therefore, it has been classified as a Variant of Uncertain Significance.